The following is an entry in ClinVar:

NM_001040142.2(SCN2A):c.1019A>G (p.Asn340Ser)

Gene: SCN2A (sodium voltage-gated channel alpha subunit 2; plus strand). Cytogenetic location: 2q24.3.
Variant type: single nucleotide variant.
Coding change: c.1019A>G on transcript NM_001040142.2 (MANE Select); coding-DNA position 1019, A replaced by G.
Protein change: p.Asn340Ser; replaces asparagine 340 with serine.
Molecular consequence: missense variant.
Genome position (GRCh38, 1-based): chr2:165,312,073, A>G. VCF-style: chr2-165312073-A-G. GRCh37 (hg19) VCF-style: chr2-166168583-A-G.
Other names: c.1019A>G, p.Asn340Ser (NM_001040143.2, NM_001371246.1, NM_001371247.1 and 1 more transcripts); short protein forms N340S.
Identifiers: ClinVar variation 3950925 (VCV003950925.2).

ClinVar aggregate classification (germline): Uncertain significance. Review status: criteria provided, multiple submitters, no conflicts (2 of 4 stars). 2 submissions from 2 submitters: Uncertain significance (2). Last evaluated 2025-05-12.

Conditions:
Inborn genetic diseases. Identifiers: MedGen C0950123, MeSH D030342.

Submissions (2):

Ambry Genetics
Classification: Uncertain significance for Inborn genetic diseases. Last evaluated: 2025-05-12. Review status: criteria provided, single submitter. Criteria: Ambry Variant Classification Scheme 2023. Collection method: clinical testing. Allele origin: germline.
Comment: The c.1019A>G (p.N340S) alteration is located in exon 8 (coding exon 7) of the SCN2A gene. This alteration results from an A to G substitution at nucleotide position 1019, causing the asparagine (N) at amino acid position 340 to be replaced by a serine (S). This variant was not reported in population-based cohorts in the Genome Aggregation Database (gnomAD). This amino acid position is highly conserved in available vertebrate species. The in silico prediction for this alteration is inconclusive. Based on insufficient or conflicting evidence, the clinical significance of this alteration remains unclear.

GeneDx
Classification: Uncertain significance. Last evaluated: 2025-04-02. Review status: criteria provided, single submitter. Criteria: GeneDx Variant Classification Process June 2021. Collection method: clinical testing. Allele origin: germline. Affected: yes.
Comment: Not observed in large population cohorts (gnomAD); Missense variants in this gene are often considered pathogenic (HGMD); In silico analysis supports that this missense variant has a deleterious effect on protein structure/function; This substitution is predicted to be within the extracellular loop between the S5 and S6 transmembrane segments of the first homologous domain; Has not been previously published as pathogenic or benign to our knowledge